The following is an entry in ClinVar:

NM_205861.3(DHDDS):c.208A>C (p.Ile70Leu)

Gene: DHDDS (dehydrodolichyl diphosphate synthase subunit; plus strand). Cytogenetic location: 1p36.11.
Variant type: single nucleotide variant.
Coding change: c.208A>C on transcript NM_205861.3 (MANE Select); coding-DNA position 208, A replaced by C.
Protein change: p.Ile70Leu; replaces isoleucine 70 with leucine.
Molecular consequence: missense variant. On other transcripts: 5 prime UTR variant (1).
Genome position (GRCh38, 1-based): chr1:26,442,758, A>C. VCF-style: chr1-26442758-A-C. GRCh37 (hg19) VCF-style: chr1-26769249-A-C.
Other names: c.208A>C, p.Ile70Leu (NM_001243564.2, NM_001243565.2, NM_024887.4); c.-72A>C (NM_001319959.2); short protein forms I70L.
Identifiers: ClinVar variation 1372483 (VCV001372483.6), dbSNP rs1253678123, ClinGen allele CA339140121.

ClinVar aggregate classification (germline): Uncertain significance (1 of 4 stars; one submission).

Conditions:
Retinitis pigmentosa 59 (RP59). Identifiers: Orphanet 791, MedGen C3151227, MONDO:0013468, OMIM 613861.

Allele frequency attached by ClinVar (database versions not stated): gnomAD exomes below 0.00001.
gnomAD v4.1: 1 of 1,614,094 alleles (0.000062%); highest among the groups gnomAD compares: Non-Finnish European, 0.000085%; no homozygotes.

Submission:

Labcorp Genetics (formerly Invitae), Labcorp
Classification: Uncertain significance for Retinitis pigmentosa 59. Last evaluated: 2021-08-04. Review status: criteria provided, single submitter. Criteria: Invitae Variant Classification Sherloc (09022015). Collection method: clinical testing. Allele origin: germline.
Comment: In summary, the available evidence is currently insufficient to determine the role of this variant in disease. Therefore, it has been classified as a Variant of Uncertain Significance. Algorithms developed to predict the effect of missense changes on protein structure and function are either unavailable or do not agree on the potential impact of this missense change (SIFT: "Deleterious"; PolyPhen-2: "Possibly Damaging"; Align-GVGD: "Class C0"). This variant has not been reported in the literature in individuals affected with DHDDS-related conditions. This variant is not present in population databases (ExAC no frequency). This sequence change replaces isoleucine with leucine at codon 70 of the DHDDS protein (p.Ile70Leu). The isoleucine residue is highly conserved and there is a small physicochemical difference between isoleucine and leucine.